The following is an entry in ClinVar:

NM_000124.4(ERCC6):c.2840G>A (p.Arg947Gln)

Genes: ERCC6 (ERCC excision repair 6, chromatin remodeling factor; minus strand), LOC126860933 (BRD4-independent group 4 enhancer GRCh37_chr10:50679962-50681161; plus strand). Cytogenetic location: 10q11.23.
Variant type: single nucleotide variant.
Coding change: c.2840G>A on transcript NM_000124.4 (MANE Select); coding-DNA position 2840, G replaced by A.
Protein change: p.Arg947Gln; replaces arginine 947 with glutamine.
Molecular consequence: missense variant.
Genome position (GRCh38, 1-based): chr10:49,472,460, C>T on the plus strand (G>A on the coding strand, the complement: ERCC6 is on the minus strand). VCF-style: chr10-49472460-C-T. GRCh37 (hg19) VCF-style: chr10-50680506-C-T.
Other names: c.2840G>A, p.Arg947Gln (NM_001346440.2); c.2840G>A (NM_000124.2); short protein forms R947Q.
Identifiers: ClinVar variation 931973 (VCV000931973.9), dbSNP rs1332662295, ClinGen allele CA376718692.

ClinVar aggregate classification (germline): Uncertain significance. Review status: criteria provided, multiple submitters, no conflicts (2 of 4 stars). 3 submissions from 3 submitters: Uncertain significance (3). Last evaluated 2025-02-19.

Conditions:
Cerebrooculofacioskeletal syndrome 1 (COFS1). Also called: Cerebro-oculo-facio-skeletal syndrome 1. Identifiers: MedGen C0220722, MONDO:0008955, OMIM 214150.
Inborn genetic diseases. Identifiers: MedGen C0950123, MeSH D030342.

Allele frequency attached by ClinVar (database versions not stated): gnomAD exomes 0.00001.
gnomAD v4.1: 12 of 1,614,070 alleles (0.00074%); highest among the groups gnomAD compares: Admixed American, 0.005%; no homozygotes.

Submissions (3):

Ambry Genetics
Classification: Uncertain significance for Inborn genetic diseases. Last evaluated: 2025-02-19. Review status: criteria provided, single submitter. Criteria: Ambry Variant Classification Scheme 2023. Collection method: clinical testing. Allele origin: germline.

Labcorp Genetics (formerly Invitae), Labcorp
Classification: Uncertain significance. Last evaluated: 2022-08-09. Review status: criteria provided, single submitter. Criteria: Invitae Variant Classification Sherloc (09022015). Collection method: clinical testing. Allele origin: germline.
Comment: This sequence change replaces arginine, which is basic and polar, with glutamine, which is neutral and polar, at codon 947 of the ERCC6 protein (p.Arg947Gln). This variant is present in population databases (no rsID available, gnomAD 0.009%). This variant has not been reported in the literature in individuals affected with ERCC6-related conditions. ClinVar contains an entry for this variant (Variation ID: 931973). Algorithms developed to predict the effect of missense changes on protein structure and function (SIFT, PolyPhen-2, Align-GVGD) all suggest that this variant is likely to be disruptive. In summary, the available evidence is currently insufficient to determine the role of this variant in disease. Therefore, it has been classified as a Variant of Uncertain Significance.

Centre for Mendelian Genomics, University Medical Centre Ljubljana
Classification: Uncertain significance for Cerebrooculofacioskeletal syndrome 1. Last evaluated: 2019-02-11. Review status: criteria provided, single submitter. Criteria: ACMG Guidelines, 2015. Collection method: clinical testing. Allele origin: unknown. Affected: yes.
Comment: This variant was classified as: Uncertain significance. The available evidence favors the pathogenic nature of this variant, however the currently available data is insufficient to conclusively support its pathogenic nature. Thus this variant is classified as Uncertain significance - favor pathogenic. The following ACMG criteria were applied in classifying this variant: PM2,PP3,PM3.